The following is an entry in ClinVar:

ClinVar aggregate classification (germline): Likely benign. Review status: criteria provided, multiple submitters, no conflicts (2 of 4 stars). 2 submissions from 2 submitters: Likely benign (2). Last evaluated 2025-11-23.

Conditions:
Hereditary diffuse gastric adenocarcinoma (HDGC). Also called: DIFFUSE GASTRIC AND LOBULAR BREAST CANCER SYNDROME. Identifiers: Orphanet 26106, MedGen C1708349, MONDO:0007648, OMIM 137215.

Submissions (2):

Labcorp Genetics (formerly Invitae), Labcorp
Classification: Likely benign. Last evaluated: 2025-11-23. Review status: criteria provided, single submitter. Criteria: Invitae Variant Classification Sherloc (09022015). Collection method: clinical testing. Allele origin: germline.

Myriad Genetics, Inc.
Classification: Likely benign for Hereditary diffuse gastric adenocarcinoma. Last evaluated: 2024-10-15. Review status: criteria provided, single submitter. Criteria: Myriad Autosomal Dominant, Autosomal Recessive and X-Linked Classification Criteria (2023). Collection method: clinical testing. Allele origin: unknown.
Comment: This variant is considered likely benign. This variant is intronic and is not expected to impact mRNA splicing.

NM_001903.5(CTNNA1):c.2434-14dup

Gene: CTNNA1 (catenin alpha 1; plus strand). Cytogenetic location: 5q31.2.
Variant type: Duplication.
Coding change: c.2434-14dup on transcript NM_001903.5 (MANE Select); 14 bases into the intron before coding-DNA position 2434, one base duplicated (T; older notation c.2434-14dupT).
Molecular consequence: intron variant.
Genome position (GRCh38, 1-based): chr5:138,933,788, T duplicated. VCF-style (leftmost placement, unchanged base first): chr5-138933787-C-CT. GRCh37 (hg19) VCF-style: chr5-138269476-C-CT.
Other names: c.2434-14dup (NM_001323982.2, NM_001323984.2, NM_001323983.1); c.2505-14dup (NM_001290307.3); c.2434-41dup (NM_001323985.2); c.2341-14dup (NM_001323986.2); c.2065-14dup (NM_001290310.3); c.2125-14dup (NM_001290309.3); c.1324-14dup (NM_001323996.1, NM_001323993.1, NM_001323998.1 and 12 more transcripts); c.1395-14dup (NM_001324005.1, NM_001324003.1, NM_001324002.1 and 1 more transcripts); and 4 more.
Identifiers: ClinVar variation 1610309 (VCV001610309.9), dbSNP rs2150358058, ClinGen allele CA2573139166.